The following is an entry in ClinVar:

NM_000548.5(TSC2):c.4663-20CCTCTCC[3]

Gene: TSC2 (TSC complex subunit 2; plus strand). Cytogenetic location: 16p13.3.
Variant type: Microsatellite.
Coding change: c.4663-20CCTCTCC[3] on transcript NM_000548.5 (MANE Select); three copies in a row of the 7-base unit CCTCTCC starting at c.4663-20.
Molecular consequence: intron variant.
Genome position: GRCh38 VCF-style: chr16-2086172-G-GCCTCTCC. GRCh37 (hg19) VCF-style: chr16-2136173-G-GCCTCTCC.
Other names: c.4663-11_4663-5dupTCTCCCC (NM_000548.3); c.4594-20CCTCTCC[3] (NM_001114382.3); c.4534-20CCTCTCC[3] (NM_021055.3, NM_001370405.1); c.4465-20CCTCTCC[3] (NM_001363528.2); c.4531-20CCTCTCC[3] (NM_001370404.1); c.4462-20CCTCTCC[3] (NM_001077183.3); c.4354-20CCTCTCC[3] (NM_001318827.2); c.3931-20CCTCTCC[3] (NM_001318831.2); and 2 more.
Identifiers: ClinVar variation 1223698 (VCV001223698.16), dbSNP rs760527750, ClinGen allele CA7828395.

ClinVar aggregate classification (germline): Likely benign. Review status: criteria provided, multiple submitters, no conflicts (2 of 4 stars). 4 submissions from 4 submitters: Likely benign (4). Last evaluated 2023-07-07.

Conditions:
Hereditary cancer-predisposing syndrome. Also called: Hereditary neoplastic syndrome; Neoplastic Syndromes, Hereditary; Tumor predisposition; Hereditary Cancer Syndrome. Identifiers: Orphanet 140162, MedGen C0027672, MeSH D009386, MONDO:0015356.
Tuberous sclerosis 2 (TSC2). Identifiers: Orphanet 805, MedGen C1860707, MONDO:0013199, OMIM 613254.

Submissions (4):

GeneDx
Classification: Likely benign. Last evaluated: 2023-07-07. Review status: criteria provided, single submitter. Criteria: GeneDx Variant Classification Process June 2021. Collection method: clinical testing. Allele origin: germline. Affected: yes.
Comment: See Variant Classification Assertion Criteria.

Ambry Genetics
Classification: Likely benign for Hereditary cancer-predisposing syndrome. Last evaluated: 2022-12-16. Review status: criteria provided, single submitter. Criteria: Ambry Variant Classification Scheme 2023. Collection method: clinical testing. Allele origin: germline.

Labcorp Genetics (formerly Invitae), Labcorp
Classification: Likely benign for Tuberous sclerosis 2. Last evaluated: 2022-08-16. Review status: criteria provided, single submitter. Criteria: Invitae Variant Classification Sherloc (09022015). Collection method: clinical testing. Allele origin: germline.

Sema4
Classification: Likely benign for Hereditary cancer-predisposing syndrome. Last evaluated: 2021-08-13. Review status: criteria provided, single submitter. Criteria: Sema4 Curation Guidelines. Collection method: curation. Allele origin: germline.